The following is an entry in ClinVar:

NM_012186.3(FOXE3):c.129G>C (p.Glu43Asp)

Genes: FOXE3 (forkhead box E3; plus strand), LINC01389 (long intergenic non-protein coding RNA 1389; minus strand). Cytogenetic location: 1p33.
Variant type: single nucleotide variant.
Coding change: c.129G>C on transcript NM_012186.3 (MANE Select); coding-DNA position 129, G replaced by C.
Protein change: p.Glu43Asp; replaces glutamic acid 43 with aspartic acid.
Molecular consequence: missense variant.
Genome position (GRCh38, 1-based): chr1:47,416,444, G>C. VCF-style: chr1-47416444-G-C. GRCh37 (hg19) VCF-style: chr1-47882116-G-C.
Other names: short protein forms E43D.
Identifiers: ClinVar variation 1769325 (VCV001769325.2), dbSNP rs2521315769, ClinGen allele CA340249093.

ClinVar aggregate classification (germline): Uncertain significance (1 of 4 stars; one submission).

Conditions:
Cardiovascular phenotype. Identifiers: MedGen CN230736.

Submission:

Ambry Genetics
Classification: Uncertain significance for Cardiovascular phenotype. Last evaluated: 2021-06-23. Review status: criteria provided, single submitter. Criteria: Ambry Variant Classification Scheme 2023. Collection method: clinical testing. Allele origin: germline.
Comment: The p.E43D variant (also known as c.129G>C), located in coding exon 1 of the FOXE3 gene, results from a G to C substitution at nucleotide position 129. The glutamic acid at codon 43 is replaced by aspartic acid, an amino acid with highly similar properties. This amino acid position is conserved. In addition, this alteration is predicted to be tolerated by in silico analysis. Since supporting evidence is limited at this time, the clinical significance of this alteration remains unclear.